The following is an entry in ClinVar:

NM_003244.4(TGIF1):c.244-178T>G

Gene: TGIF1 (TGFB induced factor homeobox 1; plus strand). Cytogenetic location: 18p11.31.
Variant type: single nucleotide variant.
Coding change: c.244-178T>G on transcript NM_003244.4 (MANE Select); 178 bases into the intron before coding-DNA position 244, T replaced by G.
Molecular consequence: intron variant.
Genome position (GRCh38, 1-based): chr18:3,457,187, T>G. VCF-style: chr18-3457187-T-G. GRCh37 (hg19) VCF-style: chr18-3457185-T-G.
Other names: c.184-178T>G (NM_174886.3, NM_001278686.3, NM_001374396.1 and 5 more transcripts); c.286-178T>G (NM_173207.4); c.253-178T>G (NM_001278682.2); c.244-178T>G (NM_173208.3, NM_001278684.2).
Identifiers: ClinVar variation 672772 (VCV000672772.2), dbSNP rs11661340, ClinGen allele CA14555419.
Genomic context (GRCh38, chr18:3,457,187, plus strand): 5'-AAGTATGAAGAGACAAAAAAGGAAATTTGTATTAGAAACTAGAAGGCTTATGACAGGTGG[T>G]AGCTTGCTTTCTTGGCGGAGCTCAGATACCTTGAAATAACATTGTAAATTCAGATAAGGC-3'

ClinVar aggregate classification (germline): Benign. Review status: criteria provided, multiple submitters, no conflicts (2 of 4 stars). 2 submissions from 2 submitters: Benign (2). Last evaluated 2018-06-14.

Allele frequency attached by ClinVar (database versions not stated): gnomAD 0.07600 and 0.07987; TOPMed 0.08131; gnomAD exomes 0.08200; 1000 Genomes Project 30x 0.12274; 1000 Genomes Project 0.12740.
gnomAD v4.1: 60,120 of 734,532 alleles (8.2%); highest among the groups gnomAD compares: East Asian, 26%; 3,347 homozygotes.

Submissions (2):

GeneDx
Classification: Benign. Last evaluated: 2018-06-14. Review status: criteria provided, single submitter. Criteria: GeneDx Variant Classification (06012015). Collection method: clinical testing. Allele origin: germline. Affected: yes.
Comment: This variant is considered likely benign or benign based on one or more of the following criteria: it is a conservative change, it occurs at a poorly conserved position in the protein, it is predicted to be benign by multiple in silico algorithms, and/or has population frequency not consistent with disease.

Breakthrough Genomics
Classification: Benign. Review status: criteria provided, single submitter. Criteria: ACMG Guidelines, 2015. Collection method: not provided. Allele origin: germline. Inheritance: Autosomal dominant inheritance. Affected: yes.